The following is an entry in ClinVar:

NM_006950.3(SYN1):c.685-2A>G

Gene: SYN1 (synapsin I; minus strand). Cytogenetic location: Xp11.23.
Variant type: single nucleotide variant.
Coding change: c.685-2A>G on transcript NM_006950.3 (MANE Select); the canonical splice acceptor site of the intron before coding-DNA position 685, A replaced by G.
Molecular consequence: splice acceptor variant.
Genome position (GRCh38, 1-based): chrX:47,605,069, T>C on the plus strand (A>G on the coding strand, the complement: SYN1 is on the minus strand). VCF-style: chrX-47605069-T-C. GRCh37 (hg19) VCF-style: chrX-47464468-T-C.
Other names: c.685-2A>G (NM_133499.2).
Identifiers: ClinVar variation 4729926 (VCV004729926.1).

ClinVar aggregate classification (germline): Likely pathogenic (1 of 4 stars; one submission).

Conditions:
Epilepsy, X-linked 1, with variable learning disabilities and behavior disorders. Also called: X-linked epilepsy-learning disabilities-behavior disorders syndrome. Identifiers: Orphanet 85294, MedGen C5774177, MONDO:0010339, OMIM 300491.

Submission:

Labcorp Genetics (formerly Invitae), Labcorp
Classification: Likely pathogenic for Epilepsy, X-linked 1, with variable learning disabilities and behavior disorders. Last evaluated: 2025-10-26. Review status: criteria provided, single submitter. Criteria: Invitae Variant Classification Sherloc (09022015). Collection method: clinical testing. Allele origin: germline.
Comment: This sequence change affects an acceptor splice site in intron 4 of the SYN1 gene. It is expected to disrupt RNA splicing. Variants that disrupt the donor or acceptor splice site typically lead to a loss of protein function (PMID: 16199547), and loss-of-function variants in SYN1 are known to be pathogenic (PMID: 14985377, 21441247). This variant is not present in population databases (gnomAD no frequency). This variant has not been reported in the literature in individuals affected with SYN1-related conditions. Algorithms developed to predict the effect of sequence changes on RNA splicing suggest that this variant may disrupt the consensus splice site. In summary, the currently available evidence indicates that the variant is pathogenic, but additional data are needed to prove that conclusively. Therefore, this variant has been classified as Likely Pathogenic.

Literature cited by the submitters: PubMed 16199547; PubMed 14985377; PubMed 21441247.